The following is an entry in ClinVar:

NM_001037582.3(SCD5):c.441C>A (p.Ala147=)

Gene: SCD5 (stearoyl-CoA desaturase 5; minus strand). Cytogenetic location: 4q21.22.
Variant type: single nucleotide variant.
Coding change: c.441C>A on transcript NM_001037582.3 (MANE Select); coding-DNA position 441, C replaced by A.
Protein change: p.Ala147=; no amino-acid change (alanine 147 retained).
Molecular consequence: synonymous variant.
Genome position (GRCh38, 1-based): chr4:82,680,835, G>T on the plus strand (C>A on the coding strand, the complement: SCD5 is on the minus strand). VCF-style: chr4-82680835-G-T. GRCh37 (hg19) VCF-style: chr4-83601988-G-T.
Other names: c.441C>A, p.Ala147= (NM_024906.3).
Identifiers: ClinVar variation 5040223 (VCV005040223.1).

ClinVar aggregate classification (germline): Uncertain significance (1 of 4 stars; one submission).

Submission:

CeGaT Center for Human Genetics Tuebingen
Classification: Uncertain significance. Last evaluated: 2026-07-01. Review status: criteria provided, single submitter. Criteria: CeGaT Center For Human Genetics Tuebingen Variant Classification Criteria Version 2. Collection method: clinical testing. Allele origin: germline. Affected: yes. Observed: 1 variant allele.
Comment: SCD5: PM2, BP4